The following is an entry in ClinVar:

NM_001003800.2(BICD2):c.2515G>A (p.Gly839Arg)

Gene: BICD2 (BICD cargo adaptor 2; minus strand). Cytogenetic location: 9q22.31.
Variant type: single nucleotide variant.
Coding change: c.2515G>A on transcript NM_001003800.2 (MANE Select); coding-DNA position 2515, G replaced by A.
Protein change: p.Gly839Arg; replaces glycine 839 with arginine.
Molecular consequence: missense variant. On other transcripts: intron variant (1).
Genome position (GRCh38, 1-based): chr9:92,715,207, C>T on the plus strand (G>A on the coding strand, the complement: BICD2 is on the minus strand). VCF-style: chr9-92715207-C-T. GRCh37 (hg19) VCF-style: chr9-95477489-C-T.
Other names: c.2469+46G>A (NM_015250.4); short protein forms G839R.
Identifiers: ClinVar variation 565422 (VCV000565422.14), dbSNP rs756910200, ClinGen allele CA5126277.
Genomic context (GRCh38, chr9:92,715,207, plus strand): 5'-ACAGCCCCTAATCACAGTAAATGCTGTGCTTCTCGCTGCAGAACACCTGGTTGGCCAGCC[C>T]GGTGCCCTCGGCCCTGTCGCTGGCACAGGCACAGGTGTGACTTACGCTCGGTGTGGCTGG-3'
Protein context (NP_001003800.1, residues 829-849): ACASDRAEGT[Gly839Arg]LANQVFCSEK

ClinVar aggregate classification (germline): Conflicting classifications of pathogenicity. Review status: criteria provided, conflicting classifications (1 of 4 stars). 3 submissions from 3 submitters: Uncertain significance (2); Benign (1). Last evaluated 2026-02-24.

Conditions:
Inborn genetic diseases. Identifiers: MedGen C0950123, MeSH D030342.
Spastic paraplegia. Identifiers: MedGen C0037772, HP:0001258.
Autosomal dominant childhood-onset proximal spinal muscular atrophy with contractures (SMALED2A). Also called: SPINAL MUSCULAR ATROPHY, LOWER EXTREMITY-PREDOMINANT, 2A, CHILDHOOD ONSET, AUTOSOMAL DOMINANT; Spinal muscular atrophy, lower extremity-predominant, 2A, autosomal dominant. Identifiers: Orphanet 363447, Orphanet 363454, MedGen C4747715, MONDO:0014121, OMIM 615290.

Allele frequency attached by ClinVar (database versions not stated): TOPMed 0.00003; gnomAD 0.00004.
gnomAD v4.1: 63 of 1,611,862 alleles (0.0039%); highest among the groups gnomAD compares: Middle Eastern, 0.017%; no homozygotes.

Submissions (3):

Ambry Genetics
Classification: Uncertain significance for Inborn genetic diseases. Last evaluated: 2026-02-24. Review status: criteria provided, single submitter. Criteria: Ambry Variant Classification Scheme 2023. Collection method: clinical testing. Allele origin: germline.
Comment: The c.2515G>A (p.G839R) alteration is located in exon 7 (coding exon 7) of the BICD2 gene. This alteration results from a G to A substitution at nucleotide position 2515, causing the glycine (G) at amino acid position 839 to be replaced by an arginine (R). Based on data from gnomAD, the A allele has an overall frequency of 0.003% (9/280498) total alleles studied. The highest observed frequency was 0.014% (1/7166) of Other alleles. Based on insufficient or conflicting evidence, the clinical significance of this alteration remains unclear.

Labcorp Genetics (formerly Invitae), Labcorp
Classification: Benign for Autosomal dominant childhood-onset proximal spinal muscular atrophy with contractures. Last evaluated: 2025-12-16. Review status: criteria provided, single submitter. Criteria: Invitae Variant Classification Sherloc (09022015). Collection method: clinical testing. Allele origin: germline.

Paris Brain Institute, Inserm - ICM
Classification: Uncertain significance for Spastic paraplegia. Review status: criteria provided, single submitter. Criteria: ACMG Guidelines, 2015. Collection method: clinical testing. Allele origin: unknown. Affected: yes. Observed: 1 variant allele.